The following is an entry in ClinVar:

NC_000013.11:g.48303686G>T

Genes: RB1 (RB transcriptional corepressor 1; plus strand), RB1-DT (RB1 divergent transcript; minus strand). Cytogenetic location: 13q14.2.
Variant type: single nucleotide variant.
Molecular consequence: non-coding transcript variant (on NR_046414.2).
Genome position: GRCh38 VCF-style: chr13-48303686-G-T. GRCh37 (hg19) VCF-style: chr13-48877822-G-T.
Identifiers: ClinVar variation 3709180 (VCV003709180.2).

ClinVar aggregate classification (germline): Uncertain significance (1 of 4 stars; one submission).

Conditions:
Retinoblastoma (RB1). Also called: RETINOBLASTOMA, SOMATIC. Identifiers: Orphanet 790, MedGen C0035335, MeSH D012175, MONDO:0008380, OMIM 180200, HP:0009919. Disease mechanism: loss of function. Inheritance: Both sporadic and heritable forms are tested..

Submission:

Labcorp Genetics (formerly Invitae), Labcorp
Classification: Uncertain significance for Retinoblastoma. Last evaluated: 2024-11-15. Review status: criteria provided, single submitter. Criteria: Invitae Variant Classification Sherloc (09022015). Collection method: clinical testing. Allele origin: germline.
Comment: This variant occurs in a non-coding region of the RB1 gene. It does not change the encoded amino acid sequence of the RB1 protein. This variant is not present in population databases (gnomAD no frequency). This variant has not been reported in the literature in individuals affected with RB1-related conditions. Experimental studies and prediction algorithms are not available or were not evaluated, and the functional significance of this variant is currently unknown. In summary, the available evidence is currently insufficient to determine the role of this variant in disease. Therefore, it has been classified as a Variant of Uncertain Significance.